The following is an entry in ClinVar:

NM_000180.4(GUCY2D):c.1781T>A (p.Leu594His)

Gene: GUCY2D (guanylate cyclase 2D, retinal; plus strand). Cytogenetic location: 17p13.1.
Variant type: single nucleotide variant.
Coding change: c.1781T>A on transcript NM_000180.4 (MANE Select); coding-DNA position 1781, T replaced by A.
Protein change: p.Leu594His; replaces leucine 594 with histidine.
Molecular consequence: missense variant.
Genome position (GRCh38, 1-based): chr17:8,012,175, T>A. VCF-style: chr17-8012175-T-A. GRCh37 (hg19) VCF-style: chr17-7915493-T-A.
Other names: short protein forms L594H.
Identifiers: ClinVar variation 2944309 (VCV002944309.3), dbSNP rs2545423950, ClinGen allele CA397951274.
Genomic context (GRCh38, chr17:8,012,175, plus strand): 5'-AAAATGCAAGTCAACTCTCCCCCTCTCAGCTCCAGGAGCTCCGGCATGAGAACGTGGCCC[T>A]CTACCTGGGGCTTTTCCTGGCTCGGGGAGCAGAAGGCCCTGCGGCCCTCTGGGAGGGCAA-3'
Protein context (NP_000171.1, residues 584-604): LQELRHENVA[Leu594His]YLGLFLARGA

ClinVar aggregate classification (germline): Uncertain significance (1 of 4 stars; one submission).

Conditions:
Cone-rod dystrophy 6 (CORD6). Also called: RETINAL CONE DYSTROPHY 2; Cone dystrophy progressive. Identifiers: Orphanet 1872, MedGen C1866293, MONDO:0011143, OMIM 601777.
Leber congenital amaurosis 1 (LCA1). Also called: AMAUROSIS CONGENITA OF LEBER I; RETINAL BLINDNESS, CONGENITAL; Congenital absence of the rods and cones; Leber's congenital tapetoretinal degeneration; Leber's congenital tapetoretinal dysplasia. Identifiers: Orphanet 65, MedGen C2931258, MONDO:0008764, OMIM 204000.

Submission:

Labcorp Genetics (formerly Invitae), Labcorp
Classification: Uncertain significance for Leber congenital amaurosis 1; Cone-rod dystrophy 6. Last evaluated: 2023-03-13. Review status: criteria provided, single submitter. Criteria: Invitae Variant Classification Sherloc (09022015). Collection method: clinical testing. Allele origin: germline.
Comment: In summary, the available evidence is currently insufficient to determine the role of this variant in disease. Therefore, it has been classified as a Variant of Uncertain Significance. Advanced modeling of protein sequence and biophysical properties (such as structural, functional, and spatial information, amino acid conservation, physicochemical variation, residue mobility, and thermodynamic stability) performed at Invitae indicates that this missense variant is not expected to disrupt GUCY2D protein function. This variant has not been reported in the literature in individuals affected with GUCY2D-related conditions. This variant is not present in population databases (gnomAD no frequency). This sequence change replaces leucine, which is neutral and non-polar, with histidine, which is basic and polar, at codon 594 of the GUCY2D protein (p.Leu594His).